The following is an entry in ClinVar:

ClinVar aggregate classification (germline): Uncertain significance. Review status: criteria provided, multiple submitters, no conflicts (2 of 4 stars). 2 submissions from 2 submitters: Uncertain significance (2). Last evaluated 2024-02-29.

Conditions:
ANKRD1-related dilated cardiomyopathy. Identifiers: MedGen CN119551.
Cardiomyopathy (CMYO). Also called: Cardiomyopathies. Identifiers: Orphanet 167848, MedGen C0878544, MONDO:0004994, HP:0001638. Inheritance: Various modes of inheritance.

Allele frequency attached by ClinVar (database versions not stated): gnomAD exomes below 0.00001; ExAC 0.00001.
gnomAD v4.1: 1 of 1,614,064 alleles (0.000062%); highest among the groups gnomAD compares: East Asian, 0.0022%; no homozygotes.

Submissions (2):

Labcorp Genetics (formerly Invitae), Labcorp
Classification: Uncertain significance for ANKRD1-related dilated cardiomyopathy. Last evaluated: 2024-02-29. Review status: criteria provided, single submitter. Criteria: Invitae Variant Classification Sherloc (09022015). Collection method: clinical testing. Allele origin: germline.
Comment: This sequence change replaces lysine, which is basic and polar, with glutamic acid, which is acidic and polar, at codon 266 of the ANKRD1 protein (p.Lys266Glu). This variant is present in population databases (rs759544911, gnomAD 0.01%). This variant has not been reported in the literature in individuals affected with ANKRD1-related conditions. ClinVar contains an entry for this variant (Variation ID: 1329301). Advanced modeling of protein sequence and biophysical properties (such as structural, functional, and spatial information, amino acid conservation, physicochemical variation, residue mobility, and thermodynamic stability) performed at Invitae indicates that this missense variant is not expected to disrupt ANKRD1 protein function with a negative predictive value of 80%. In summary, the available evidence is currently insufficient to determine the role of this variant in disease. Therefore, it has been classified as a Variant of Uncertain Significance.

CHEO Genetics Diagnostic Laboratory, Children's Hospital of Eastern Ontario
Classification: Uncertain significance for Cardiomyopathy. Last evaluated: 2021-01-29. Review status: criteria provided, single submitter. Criteria: ACMG Guidelines, 2015. Collection method: clinical testing. Allele origin: germline.

NM_014391.3(ANKRD1):c.796A>G (p.Lys266Glu)

Gene: ANKRD1 (ankyrin repeat domain 1; minus strand). Cytogenetic location: 10q23.31.
Variant type: single nucleotide variant.
Coding change: c.796A>G on transcript NM_014391.3 (MANE Select); coding-DNA position 796, A replaced by G.
Protein change: p.Lys266Glu; replaces lysine 266 with glutamic acid.
Molecular consequence: missense variant.
Genome position (GRCh38, 1-based): chr10:90,915,596, T>C on the plus strand (A>G on the coding strand, the complement: ANKRD1 is on the minus strand). VCF-style: chr10-90915596-T-C. GRCh37 (hg19) VCF-style: chr10-92675353-T-C.
Other names: short protein forms K266E.
Identifiers: ClinVar variation 1329301 (VCV001329301.4), dbSNP rs759544911, ClinGen allele CA5598604.